The following is an entry in ClinVar:

ClinVar aggregate classification (germline): Benign. Review status: criteria provided, multiple submitters, no conflicts (2 of 4 stars). 2 submissions from 2 submitters: Benign (2). Last evaluated 2018-01-12.

Conditions:
Deficiency of aromatic-L-amino-acid decarboxylase. Also called: Aromatic L-Amino Acid Decarboxylase Deficiency; Aromatic amino acid decarboxylase deficiency; AADC DEFICIENCY; DDC DEFICIENCY; DOPA DECARBOXYLASE DEFICIENCY. Identifiers: Orphanet 35708, MedGen C1291564, MONDO:0012084, OMIM 608643.

Allele frequency attached by ClinVar (database versions not stated): TOPMed 0.07072; 1000 Genomes Project 30x 0.07199; 1000 Genomes Project 0.07688; gnomAD 0.07793 and 0.07968.

Submissions (2):

Illumina Laboratory Services, Illumina
Classification: Benign for Deficiency of aromatic-L-amino-acid decarboxylase. Last evaluated: 2018-01-12. Review status: criteria provided, single submitter. Criteria: ICSL Variant Classification Criteria 13 December 2019. Collection method: clinical testing. Allele origin: germline.
Comment: This variant was observed in the ICSL laboratory as part of a predisposition screen in an ostensibly healthy population. It had not been previously curated by ICSL or reported in the Human Gene Mutation Database (HGMD: prior to June 1st, 2018), and was therefore a candidate for classification through an automated scoring system. Utilizing variant allele frequency, disease prevalence and penetrance estimates, and inheritance mode, an automated score was calculated to assess if this variant is too frequent to cause the disease. Based on the score and internal cut-off values, a variant classified as benign is not then subjected to further curation. The score for this variant resulted in a classification of benign for this disease.

Breakthrough Genomics
Classification: Benign. Review status: criteria provided, single submitter. Criteria: ACMG Guidelines, 2015. Collection method: not provided. Allele origin: germline. Inheritance: Autosomal recessive inheritance. Affected: yes.

NM_001082971.2(DDC):c.*341C>T

Gene: DDC (dopa decarboxylase; minus strand). Cytogenetic location: 7p12.2.
Variant type: single nucleotide variant.
Coding change: c.*341C>T on transcript NM_001082971.2 (MANE Select); 341 bases downstream of the stop codon, C replaced by T.
Molecular consequence: 3 prime UTR variant.
Genome position (GRCh38, 1-based): chr7:50,458,521, G>A on the plus strand (C>T on the coding strand, the complement: DDC is on the minus strand). VCF-style: chr7-50458521-G-A. GRCh37 (hg19) VCF-style: chr7-50526219-G-A.
Other names: c.*341C>T (NM_000790.4, NM_001242886.2, NM_001242887.2 and 2 more transcripts).
Identifiers: ClinVar variation 360423 (VCV000360423.6), dbSNP rs11575553, ClinGen allele CA10626204.